The following is an entry in ClinVar:

NM_006521.6(TFE3):c.79G>A (p.Glu27Lys)

Gene: TFE3 (transcription factor binding to IGHM enhancer 3; minus strand). Cytogenetic location: Xp11.23.
Variant type: single nucleotide variant.
Coding change: c.79G>A on transcript NM_006521.6 (MANE Select); coding-DNA position 79, G replaced by A.
Protein change: p.Glu27Lys; replaces glutamic acid 27 with lysine.
Molecular consequence: missense variant. On other transcripts: 5 prime UTR variant (1).
Genome position (GRCh38, 1-based): chrX:49,043,148, C>T on the plus strand (G>A on the coding strand, the complement: TFE3 is on the minus strand). VCF-style: chrX-49043148-C-T. GRCh37 (hg19) VCF-style: chrX-48900674-C-T.
Other names: c.-172G>A (NM_001282142.2); short protein forms E27K.
Identifiers: ClinVar variation 3385247 (VCV003385247.1).

ClinVar aggregate classification (germline): Uncertain significance (1 of 4 stars; one submission).

Submission:

Women's Health and Genetics/Laboratory Corporation of America, LabCorp
Classification: Uncertain significance. Last evaluated: 2024-10-16. Review status: criteria provided, single submitter. Criteria: LabCorp Variant Classification Summary - May 2015. Collection method: clinical testing. Allele origin: germline.
Comment: Variant summary: TFE3 c.79G>A (p.Glu27Lys) results in a conservative amino acid change in the encoded protein sequence. Five of five in-silico tools predict a benign effect of the variant on protein function. The frequency data for this variant in gnomAD is considered unreliable, as metrics indicate poor data quality at this position. To our knowledge, no occurrence of c.79G>A in individuals affected with Intellectual Developmental Disorder, X-Linked, Syndromic, With Pigmentary Mosaicism And Coarse Facies and no experimental evidence demonstrating its impact on protein function have been reported. No submitters have cited clinical-significance assessments for this variant to ClinVar. Based on the evidence outlined above, the variant was classified as uncertain significance.